The following is an entry in ClinVar:

ClinVar aggregate classification (germline): Likely pathogenic. Review status: criteria provided, single submitter (1 of 4 stars). 3 submissions from 3 submitters: Likely pathogenic (1). 2 of the submissions do not count toward it. Last evaluated 2022-12-19.

Conditions:
Finnish congenital nephrotic syndrome (NPHS1). Also called: NEPHROTIC SYNDROME, TYPE 1. Identifiers: Orphanet 839, MedGen C0403399, MONDO:0009732, OMIM 256300.

Submissions (3):

Women's Health and Genetics/Laboratory Corporation of America, LabCorp
Classification: Likely pathogenic for Finnish congenital nephrotic syndrome. Last evaluated: 2022-12-19. Review status: criteria provided, single submitter. Criteria: LabCorp Variant Classification Summary - May 2015. Collection method: clinical testing. Allele origin: germline.
Comment: Variant summary: NPHS1 c.1275delC (p.Lys426ArgfsX10) results in a premature termination codon, predicted to cause a truncation of the encoded protein or absence of the protein due to nonsense mediated decay, which are commonly known mechanisms for disease. Truncations downstream of this position have been classified as pathogenic by our laboratory. The variant was absent in 251454 control chromosomes (gnomAD). c.1275delC has been reported in the literature in individuals affected with Nephrotic Syndrome, Type 1 (example: Lenkkeri_1999). This report does not provide unequivocal conclusions about association of the variant with Nephrotic Syndrome, Type 1. To our knowledge, no experimental evidence demonstrating an impact on protein function has been reported. Two clinical diagnostic laboratories have submitted clinical-significance assessments for this variant to ClinVar after 2014 and classified the variant as likely pathogenic. Based on the evidence outlined above, the variant was classified as likely pathogenic.

Counsyl
Classification: Likely pathogenic for Finnish congenital nephrotic syndrome. Last evaluated: 2017-11-01. Review status: no assertion criteria provided. Collection method: clinical testing. Allele origin: unknown. Not counted in ClinVar's aggregate classification.

Juha Muilu Group; Institute for Molecular Medicine Finland (FIMM)
Classification: Likely pathogenic for Finnish congenital nephrotic syndrome. Review status: no assertion criteria provided. Collection method: not provided. Allele origin: unknown. Not counted in ClinVar's aggregate classification.
Comment: FinDis database variant: This variant was not found or characterized by our laboratory, data were collected from public sources: see reference
ClinVar note: Converted during submission from probable-pathogenic to Likely pathogenic.

Literature cited by the submitters: PubMed 20507940 (cited by Women's Health and Genetics/Laboratory Corporation of America, LabCorp); PubMed 9915943 (cited by Women's Health and Genetics/Laboratory Corporation of America, LabCorp and Counsyl); PubMed 11317351 (cited by Women's Health and Genetics/Laboratory Corporation of America, LabCorp).

NM_004646.4(NPHS1):c.1275del (p.Lys426fs)

Gene: NPHS1 (NPHS1 adhesion molecule, nephrin; minus strand). Cytogenetic location: 19q13.12.
Variant type: Deletion.
Coding change: c.1275del on transcript NM_004646.4 (MANE Select); coding-DNA position 1275, one base deleted (C; older notation c.1275delC).
Protein change: p.Lys426fs; shifts the reading frame from lysine 426.
Molecular consequence: frameshift variant.
Genome position (GRCh38, 1-based): chr19:35,848,293, G deleted on the plus strand (C on the coding strand, the reverse complement: NPHS1 is on the minus strand); the first of 2 consecutive G bases (chr19:35,848,293-35,848,294); deleting either gives the same sequence. VCF-style (leftmost placement, unchanged base first): chr19-35848292-TG-T. GRCh37 (hg19) VCF-style: chr19-36339194-TG-T.
Other names: c.1275delC (NM_004646.3); short protein forms K426fs.
Identifiers: ClinVar variation 56434 (VCV000056434.4), dbSNP rs386833876, ClinGen allele CA250113.
Genomic context (GRCh38, chr19:35,848,292, plus strand): 5'-TGGGCCAGGGCAGGGGCTCACATTTTACGTTCAGGATGAGCGACTTCTTGAAGGTCTCCT[TG>T]GTGAAGGCTTCACTGAAGGCCTCACATGTGAGGGTCAGACCGTTGTCCTCCCGCCGCGCC-3'